The following is an entry in ClinVar:

ClinVar aggregate classification (germline): Uncertain significance (1 of 4 stars; one submission).

Conditions:
Hereditary cancer-predisposing syndrome. Also called: Tumor predisposition; Neoplastic Syndromes, Hereditary; Hereditary neoplastic syndrome; Hereditary Cancer Syndrome. Identifiers: Orphanet 140162, MedGen C0027672, MeSH D009386, MONDO:0015356.

Submission:

Ambry Genetics
Classification: Uncertain significance for Hereditary cancer-predisposing syndrome. Last evaluated: 2025-08-27. Review status: criteria provided, single submitter. Criteria: Ambry Variant Classification Scheme 2023. Collection method: clinical testing. Allele origin: germline.
Comment: The p.G525A variant (also known as c.1574G>C), located in coding exon 16 of the MUTYH gene, results from a G to C substitution at nucleotide position 1574. The glycine at codon 525 is replaced by alanine, an amino acid with similar properties. This amino acid position is conserved. In addition, the in silico prediction for this alteration is inconclusive. Based on the available evidence, the clinical significance of this variant remains unclear.

NM_001048174.2(MUTYH):c.1490G>C (p.Gly497Ala)

Gene: MUTYH (mutY DNA glycosylase; minus strand). Cytogenetic location: 1p34.1.
Variant type: single nucleotide variant.
Coding change: c.1490G>C on transcript NM_001048174.2 (MANE Select); coding-DNA position 1490, G replaced by C.
Protein change: p.Gly497Ala; replaces glycine 497 with alanine.
Molecular consequence: missense variant. On other transcripts: non-coding transcript variant (7).
Genome position (GRCh38, 1-based): chr1:45,329,382, C>G on the plus strand (G>C on the coding strand, the complement: MUTYH is on the minus strand). VCF-style: chr1-45329382-C-G. GRCh37 (hg19) VCF-style: chr1-45795054-C-G.
Other names: c.1490G>C, p.Gly497Ala (NM_001048171.2, NM_001048173.2, NM_001293195.2 and 6 more transcripts); c.1493G>C, p.Gly498Ala (NM_001048172.2, NM_001407071.1, NM_001407078.1 and 1 more transcripts); c.1574G>C, p.Gly525Ala (NM_001128425.2); c.1535G>C, p.Gly512Ala (NM_001293190.2); c.1523G>C, p.Gly508Ala (NM_001293191.2, NM_001407069.1, NM_001407077.1); c.1214G>C, p.Gly405Ala (NM_001293192.2, NM_001293196.2, NM_001407091.1); c.1145G>C, p.Gly382Ala (NM_001350650.2, NM_001350651.2, NM_001407082.1); c.1406G>C, p.Gly469Ala (NM_001407075.1); and 5 more; short protein forms G469A, G483A, G405A, G497A, G498A, G511A, G512A, G382A.
Identifiers: ClinVar variation 4113383 (VCV004113383.1).